The following is an entry in ClinVar:

ClinVar aggregate classification (germline): Likely pathogenic (1 of 4 stars; one submission).

Conditions:
Retinitis pigmentosa 12 (RP12). Also called: RP WITH OR WITHOUT PRESERVED PARAARTERIOLE RETINAL PIGMENT EPITHELIUM; RETINITIS PIGMENTOSA WITH OR WITHOUT PARAARTERIOLAR PRESERVATION OF RETINAL PIGMENT EPITHELIUM; RP WITH OR WITHOUT PPRPE. Identifiers: Orphanet 791, MedGen C1838647, MONDO:0010818, OMIM 600105.
Leber congenital amaurosis 8 (LCA8). Identifiers: Orphanet 65, MedGen C3151202, MONDO:0013453, OMIM 613835.

Submission:

Labcorp Genetics (formerly Invitae), Labcorp
Classification: Likely pathogenic for Leber congenital amaurosis 8; Retinitis pigmentosa 12. Last evaluated: 2022-07-06. Review status: criteria provided, single submitter. Criteria: Invitae Variant Classification Sherloc (09022015). Collection method: clinical testing. Allele origin: germline.
Comment: This variant is a gross deletion of the genomic region encompassing exon(s) 5 of the CRB1 gene. This variant would be expected to be in-frame, preserving the integrity of the reading frame. This variant has not been reported in the literature in individuals affected with CRB1-related conditions. This variant disrupts the p.Cys383 amino acid residue in CRB1. Other variant(s) that disrupt this residue have been determined to be pathogenic (PMID: 11231775, 23449718). This suggests that this residue is clinically significant, and that variants that disrupt this residue are likely to be disease-causing. In summary, the currently available evidence indicates that the variant is pathogenic, but additional data are needed to prove that conclusively. Therefore, this variant has been classified as Likely Pathogenic.

Literature cited by the submitters: PubMed 11231775; PubMed 23449718.

NC_000001.10:g.(?_197325941)_(197326163_?)del

Gene: CRB1 (crumbs cell polarity complex component 1; plus strand). Cytogenetic location: 1q31.3.
Variant type: Deletion.
Identifiers: ClinVar variation 2427685 (VCV002427685.3).